The following is an entry in ClinVar:

NM_000268.4(NF2):c.1055C>G (p.Thr352Arg)

Gene: NF2 (NF2, moesin-ezrin-radixin like (MERLIN) tumor suppressor; plus strand). Cytogenetic location: 22q12.2.
Variant type: single nucleotide variant.
Coding change: c.1055C>G on transcript NM_000268.4 (MANE Select); coding-DNA position 1055, C replaced by G.
Protein change: p.Thr352Arg; replaces threonine 352 with arginine.
Molecular consequence: missense variant. On other transcripts: intron variant (1).
Genome position (GRCh38, 1-based): chr22:29,671,881, C>G. VCF-style: chr22-29671881-C-G. GRCh37 (hg19) VCF-style: chr22-30067870-C-G.
Other names: c.941C>G, p.Thr314Arg (NM_001407053.1, NM_001407056.1); c.932C>G, p.Thr311Arg (NM_001407054.1, NM_001407058.1, NM_181829.3); c.929C>G, p.Thr310Arg (NM_001407055.1, NM_181828.3); c.920C>G, p.Thr307Arg (NM_001407057.1, NM_001407059.1); c.1055C>G, p.Thr352Arg (NM_001407060.1, NM_001407066.1, NM_016418.5 and 2 more transcripts); c.797C>G, p.Thr266Arg (NM_001407062.1); c.806C>G, p.Thr269Arg (NM_001407063.1, NM_001407064.1, NM_181830.3 and 1 more transcripts); c.521C>G, p.Thr174Arg (NM_001407065.1); and 2 more; short protein forms T311R, T352R, T174R, T275R, T307R, T310R, T314R, T266R.
Identifiers: ClinVar variation 2739844 (VCV002739844.3), dbSNP rs764441073, ClinGen allele CA411146927.

ClinVar aggregate classification (germline): Uncertain significance (1 of 4 stars; one submission).

Conditions:
Neurofibromatosis, type 2 (SWNV). Also called: SCHWANNOMATOSIS, VESTIBULAR; BILATERAL ACOUSTIC NEUROFIBROMATOSIS; NF2-Related Schwannomatosis. Identifiers: Orphanet 637, MedGen C0027832, MONDO:0007039, OMIM 101000. Disease mechanism: loss of function.

Submission:

Labcorp Genetics (formerly Invitae), Labcorp
Classification: Uncertain significance for Neurofibromatosis, type 2. Last evaluated: 2023-12-08. Review status: criteria provided, single submitter. Criteria: Invitae Variant Classification Sherloc (09022015). Collection method: clinical testing. Allele origin: germline.
Comment: This sequence change replaces threonine, which is neutral and polar, with arginine, which is basic and polar, at codon 352 of the NF2 protein (p.Thr352Arg). This variant is not present in population databases (gnomAD no frequency). This variant has not been reported in the literature in individuals affected with NF2-related conditions. Advanced modeling of protein sequence and biophysical properties (such as structural, functional, and spatial information, amino acid conservation, physicochemical variation, residue mobility, and thermodynamic stability) performed at Invitae indicates that this missense variant is not expected to disrupt NF2 protein function with a negative predictive value of 80%. In summary, the available evidence is currently insufficient to determine the role of this variant in disease. Therefore, it has been classified as a Variant of Uncertain Significance.